The following is an entry in ClinVar:

ClinVar aggregate classification (germline): Likely benign (1 of 4 stars; one submission).

Conditions:
Progressive sclerosing poliodystrophy (MTDPS4A). Also called: Alpers-Huttenlocher Syndrome (AHS); Alpers Syndrome; ALPERS PROGRESSIVE INFANTILE POLIODYSTROPHY; Mitochondrial DNA depletion syndrome 4A (Alpers type); ALPERS DIFFUSE DEGENERATION OF CEREBRAL GRAY MATTER WITH HEPATIC CIRRHOSIS; Alpers-Huttenlocher Syndrome. Identifiers: Orphanet 726, MedGen C0205710, MONDO:0008758, OMIM 203700.

Allele frequency attached by ClinVar (database versions not stated): ExAC 0.00003; gnomAD 0.00003; TOPMed 0.00006.
gnomAD v4.1: 22 of 1,371,252 alleles (0.0016%); highest among the groups gnomAD compares: African/African-American, 0.027%; no homozygotes.

Submission:

Wong Mito Lab, Molecular and Human Genetics, Baylor College of Medicine
Classification: Likely benign for Progressive sclerosing poliodystrophy. Last evaluated: 2018-10-01. Review status: criteria provided, single submitter. Criteria: ACMG Guidelines, 2015. Collection method: clinical testing. Allele origin: germline.
Comment: The NM_002693.2:c.1949+44C>A (NP_002684.1:p.=) [GRCH38: NC_000015.10:g.89325406G>T] variant in POLG gene is interpretated to be a Likely Benign based on ACMG guidelines (PMID: 25741868). This variant meets the following evidence codes reported in the ACMG-guideline. BP4:Computational evidence/predictors indicate no impact on the POLG structure, function, or protein-protein interaction. BP6:Reputable source(s) without shared data suggest the variant is benign. Based on the evidence criteria codes applied, the variant is suggested to be Likely Benign.

NM_002693.3(POLG):c.1949+44C>A

Gene: POLG (DNA polymerase gamma, catalytic subunit; minus strand). Cytogenetic location: 15q26.1.
Variant type: single nucleotide variant.
Coding change: c.1949+44C>A on transcript NM_002693.3 (MANE Select); 44 bases into the intron after coding-DNA position 1949, C replaced by A.
Molecular consequence: intron variant.
Genome position (GRCh38, 1-based): chr15:89,325,406, G>T on the plus strand (C>A on the coding strand, the complement: POLG is on the minus strand). VCF-style: chr15-89325406-G-T. GRCh37 (hg19) VCF-style: chr15-89868637-G-T.
Other names: c.1949+44C>A (NM_001126131.2).
Identifiers: ClinVar variation 619359 (VCV000619359.1), dbSNP rs762378430, ClinGen allele CA7724650.
Genomic context (GRCh38, chr15:89,325,406, plus strand): 5'-ACCCAGACTCTTGAACCCAAACTCTTTCCACTAGCCTGAGCTGACCAGCCAGGGGAAGGG[G>T]TCCCTAGGCTCCAGCCCCTTCCTCCCCTGGGCCTAAGCCTTACCTGTAGGGGCAGACCAC-3'